The following is an entry in ClinVar:

NM_000548.5(TSC2):c.2530C>T (p.Leu844=)

Gene: TSC2 (TSC complex subunit 2; plus strand). Cytogenetic location: 16p13.3.
Variant type: single nucleotide variant.
Coding change: c.2530C>T on transcript NM_000548.5 (MANE Select); coding-DNA position 2530, C replaced by T.
Protein change: p.Leu844=; no amino-acid change (leucine 844 retained).
Molecular consequence: synonymous variant.
Genome position (GRCh38, 1-based): chr16:2,074,374, C>T. VCF-style: chr16-2074374-C-T. GRCh37 (hg19) VCF-style: chr16-2124375-C-T.
Other names: c.2530C>T, p.Leu844= (NM_001077183.3, NM_001114382.3, NM_001363528.2 and 3 more transcripts); c.2419C>T, p.Leu807= (NM_001318827.2); c.2383C>T, p.Leu795= (NM_001318829.2); c.1930C>T, p.Leu644= (NM_001318831.2); c.2563C>T, p.Leu855= (NM_001318832.2); c.2530C>T (NM_000548.3).
Identifiers: ClinVar variation 1611317 (VCV001611317.10), dbSNP rs1596357053, ClinGen allele CA492953261.

ClinVar aggregate classification (germline): Benign/Likely benign. Review status: criteria provided, multiple submitters, no conflicts (2 of 4 stars). 4 submissions from 4 submitters: Benign (1); Likely benign (3). Last evaluated 2025-06-29.

Conditions:
Hereditary cancer-predisposing syndrome. Also called: Neoplastic Syndromes, Hereditary; Hereditary neoplastic syndrome; Tumor predisposition; Hereditary Cancer Syndrome. Identifiers: Orphanet 140162, MedGen C0027672, MeSH D009386, MONDO:0015356.
Tuberous sclerosis 2 (TSC2). Identifiers: Orphanet 805, MedGen C1860707, MONDO:0013199, OMIM 613254.
Tuberous sclerosis syndrome (TSC). Also called: Tuberous Sclerosis Complex; Tuberous sclerosis. Identifiers: Orphanet 805, MedGen C0041341, MONDO:0001734.

Submissions (4):

Color Diagnostics, LLC DBA Color Health
Classification: Likely benign for Tuberous sclerosis syndrome. Last evaluated: 2025-06-29. Review status: criteria provided, single submitter. Criteria: ACMG Guidelines, 2015. Collection method: clinical testing. Allele origin: germline.

Myriad Genetics, Inc.
Classification: Benign for Tuberous sclerosis 2. Last evaluated: 2025-05-20. Review status: criteria provided, single submitter. Criteria: Myriad Autosomal Dominant, Autosomal Recessive and X-Linked Classification Criteria (2023). Collection method: clinical testing. Allele origin: unknown.
Comment: This variant is considered benign. This variant is a silent/synonymous amino acid change and it is not expected to impact splicing.

Ambry Genetics
Classification: Likely benign for Hereditary cancer-predisposing syndrome. Last evaluated: 2023-12-08. Review status: criteria provided, single submitter. Criteria: Ambry Variant Classification Scheme 2023. Collection method: clinical testing. Allele origin: germline.

Labcorp Genetics (formerly Invitae), Labcorp
Classification: Likely benign for Tuberous sclerosis 2. Last evaluated: 2023-07-29. Review status: criteria provided, single submitter. Criteria: Invitae Variant Classification Sherloc (09022015). Collection method: clinical testing. Allele origin: germline.